The following is an entry in ClinVar:

ClinVar aggregate classification (germline): Uncertain significance (1 of 4 stars; one submission).

Submission:

Ambry Genetics
Classification: Uncertain significance. Last evaluated: 2023-09-05. Review status: criteria provided, single submitter. Criteria: Ambry Variant Classification Scheme 2023. Collection method: clinical testing. Allele origin: germline.
Comment: The p.P225A variant (also known as c.673C>G), located in coding exon 2 of the TERF2IP gene, results from a C to G substitution at nucleotide position 673. The proline at codon 225 is replaced by alanine, an amino acid with highly similar properties. This amino acid position is conserved. In addition, this alteration is predicted to be tolerated by in silico analysis. Since supporting evidence is limited at this time, the clinical significance of this alteration remains unclear.

NM_018975.4(TERF2IP):c.673C>G (p.Pro225Ala)

Gene: TERF2IP (TERF2 interacting protein; plus strand). Cytogenetic location: 16q23.1.
Variant type: single nucleotide variant.
Coding change: c.673C>G on transcript NM_018975.4 (MANE Select); coding-DNA position 673, C replaced by G.
Protein change: p.Pro225Ala; replaces proline 225 with alanine.
Molecular consequence: missense variant. On other transcripts: non-coding transcript variant (1).
Genome position (GRCh38, 1-based): chr16:75,654,275, C>G. VCF-style: chr16-75654275-C-G. GRCh37 (hg19) VCF-style: chr16-75688173-C-G.
Other names: short protein forms P225A.
Identifiers: ClinVar variation 2625595 (VCV002625595.2), dbSNP rs760654243, ClinGen allele CA396818884.